The following is an entry in ClinVar:

NM_000393.5(COL5A2):c.2295A>G (p.Gly765=)

Gene: COL5A2 (collagen type V alpha 2 chain; minus strand). Cytogenetic location: 2q32.2.
Variant type: single nucleotide variant.
Coding change: c.2295A>G on transcript NM_000393.5 (MANE Select); coding-DNA position 2295, A replaced by G.
Protein change: p.Gly765=; no amino-acid change (glycine 765 retained).
Molecular consequence: synonymous variant.
Genome position (GRCh38, 1-based): chr2:189,057,362, T>C on the plus strand (A>G on the coding strand, the complement: COL5A2 is on the minus strand). VCF-style: chr2-189057362-T-C. GRCh37 (hg19) VCF-style: chr2-189922088-T-C.
Identifiers: ClinVar variation 2828615 (VCV002828615.3), dbSNP rs2469275962, ClinGen allele CA430323431.

ClinVar aggregate classification (germline): Uncertain significance (1 of 4 stars; one submission).

Conditions:
Ehlers-Danlos syndrome, classic type, 1 (EDSCL1). Also called: EHLERS-DANLOS SYNDROME, GRAVIS TYPE; EHLERS-DANLOS SYNDROME, SEVERE CLASSIC TYPE; Ehlers-Danlos syndrome, type 1; Ehlers-Danlos Syndrome, Classic Type, COL5A1-Related; EDS I. Identifiers: MedGen C0268335, MONDO:0019567, OMIM 130000.

Submission:

Labcorp Genetics (formerly Invitae), Labcorp
Classification: Uncertain significance for Ehlers-Danlos syndrome, classic type, 1. Last evaluated: 2023-01-14. Review status: criteria provided, single submitter. Criteria: Invitae Variant Classification Sherloc (09022015). Collection method: clinical testing. Allele origin: germline.
Comment: This sequence change affects codon 765 of the COL5A2 mRNA. It is a 'silent' change, meaning that it does not change the encoded amino acid sequence of the COL5A2 protein. In summary, the available evidence is currently insufficient to determine the role of this variant in disease. Therefore, it has been classified as a Variant of Uncertain Significance. Algorithms developed to predict the effect of sequence changes on RNA splicing suggest that this variant may create or strengthen a splice site. This variant has not been reported in the literature in individuals affected with COL5A2-related conditions. This variant is not present in population databases (gnomAD no frequency).